The following is an entry in ClinVar:

NM_001453.3(FOXC1):c.256_267del (p.Leu86_Met89del)

Genes: FOXC1 (forkhead box C1; plus strand), LOC129995601 (ATAC-STARR-seq lymphoblastoid active region 23864; plus strand). Cytogenetic location: 6p25.3.
Variant type: Deletion.
Coding change: c.256_267del on transcript NM_001453.3 (MANE Select); coding-DNA positions 256 to 267, 12 bases deleted (CTCATCACCATG).
Protein change: p.Leu86_Met89del.
Molecular consequence: inframe deletion.
Genome position (GRCh38, 1-based): chr6:1,610,701-1,610,712, CTCATCACCATG deleted; deleting any 12 consecutive bases within chr6:1,610,700-1,610,712 gives the same sequence; the c. name uses the placement nearest the transcript's 3' end. VCF-style (leftmost placement, unchanged base first): chr6-1610699-CGCTCATCACCAT-C. GRCh37 (hg19) VCF-style: chr6-1610934-CGCTCATCACCAT-C.
Identifiers: ClinVar variation 1524543 (VCV001524543.8), dbSNP rs2113111322, ClinGen allele CA2573140134.

ClinVar aggregate classification (germline): Pathogenic (1 of 4 stars; one submission).

Conditions:
Axenfeld-Rieger syndrome type 3 (RIEG3). Also called: AXENFELD-RIEGER ANOMALY WITH CARDIAC DEFECTS AND/OR SENSORINEURAL HEARING LOSS. Identifiers: Orphanet 782, MedGen C2678503, MONDO:0011233, OMIM 602482.

Submission:

Labcorp Genetics (formerly Invitae), Labcorp
Classification: Pathogenic for Axenfeld-Rieger syndrome type 3. Last evaluated: 2023-07-14. Review status: criteria provided, single submitter. Criteria: Invitae Variant Classification Sherloc (09022015). Collection method: clinical testing. Allele origin: germline.
Comment: For these reasons, this variant has been classified as Pathogenic. This variant disrupts a region of the FOXC1 protein in which other variant(s) (p.Leu86Phe) have been determined to be pathogenic (PMID: 14506133, 14578375, 17197537, 28513611, 32631953). This suggests that this is a clinically significant region of the protein, and that variants that disrupt it are likely to be disease-causing. ClinVar contains an entry for this variant (Variation ID: 1524543). This variant has been observed in individual(s) with clinical features of Axenfeld-Rieger syndrome (Invitae). This variant is not present in population databases (gnomAD no frequency). This variant, c.256_267del, results in the deletion of 4 amino acid(s) of the FOXC1 protein (p.Leu86_Met89del), but otherwise preserves the integrity of the reading frame.

Literature cited by the submitters: PubMed 14506133; PubMed 14578375; PubMed 17197537; PubMed 28513611; PubMed 32631953.